The following is an entry in ClinVar:

ClinVar aggregate classification (germline): Likely pathogenic. Review status: criteria provided, multiple submitters, no conflicts (2 of 4 stars). 5 submissions from 5 submitters: Likely pathogenic (4). 1 of the submissions does not count toward it. Last evaluated 2026-04-29.

Conditions:
Smith-Lemli-Opitz syndrome (SLOS). Also called: POLYDACTYLY, SEX REVERSAL, RENAL HYPOPLASIA, AND UNILOBAR LUNG; RSH SYNDROME; RUTLEDGE LETHAL MULTIPLE CONGENITAL ANOMALY SYNDROME; 7-Dehydrocholesterol reductase deficiency; LETHAL ACRODYSGENITAL SYNDROME. Identifiers: Orphanet 818, MedGen C0175694, MONDO:0010035, OMIM 270400.

Allele frequency attached by ClinVar (database versions not stated): TOPMed 0.00002.
gnomAD v4.1: 5 of 1,612,504 alleles (0.00031%); highest among the groups gnomAD compares: Admixed American, 0.0083%; no homozygotes.

Submissions (5):

Women's Health and Genetics/Laboratory Corporation of America, LabCorp
Classification: Likely pathogenic for Smith-Lemli-Opitz syndrome. Last evaluated: 2026-04-29. Review status: criteria provided, single submitter. Criteria: LabCorp Variant Classification Summary - May 2015. Collection method: clinical testing. Allele origin: germline.
Comment: Variant summary: DHCR7 c.1342G>C (p.Glu448Gln) results in a conservative amino acid change in the encoded protein sequence. Algorithms developed to predict the effect of missense changes on protein structure and function are either unavailable or do not agree on the potential impact of this missense change. The variant allele was found at a frequency of 1.2e-05 in 248898 control chromosomes. c.1342G>C has been observed in individual(s) affected with Smith-Lemli-Opitz Syndrome. A different variant affecting the same codon has been classified as likely pathogenic/pathogenic by our lab (c.1342G>A, p.Glu448Lys), supporting the critical relevance of codon 448 to DHCR7 protein function. To our knowledge, no experimental evidence demonstrating an impact on protein function has been reported. Internally validated machine learning-based Evidence Modeling of protein sequence and biophysical properties (such as structural, functional, and spatial information, amino acid conservation, physicochemical variation, residue mobility, and thermodynamic stability) indicates that this missense variant is expected to disrupt protein function with a positive predictive value of at least 95%. ClinVar contains an entry for this variant (Variation ID: 554965). Based on the evidence outlined above, the variant was classified as likely pathogenic.

Labcorp Genetics (formerly Invitae), Labcorp
Classification: Likely pathogenic for Smith-Lemli-Opitz syndrome. Last evaluated: 2025-08-17. Review status: criteria provided, single submitter. Criteria: Invitae Variant Classification Sherloc (09022015). Collection method: clinical testing. Allele origin: germline.
Comment: This sequence change replaces glutamic acid, which is acidic and polar, with glutamine, which is neutral and polar, at codon 448 of the DHCR7 protein (p.Glu448Gln). This variant is present in population databases (no rsID available, gnomAD 0.009%). This missense change has been observed in individual(s) with Smith-Lemli-Opitz syndrome (PMID: 10677299). ClinVar contains an entry for this variant (Variation ID: 554965). Invitae Evidence Modeling of protein sequence and biophysical properties (such as structural, functional, and spatial information, amino acid conservation, physicochemical variation, residue mobility, and thermodynamic stability) indicates that this missense variant is expected to disrupt DHCR7 protein function with a positive predictive value of 95%. This variant disrupts the p.Glu448 amino acid residue in DHCR7. Other variant(s) that disrupt this residue have been determined to be pathogenic (PMID: 10602371, 10995508, 12270273, 12949967). This suggests that this residue is clinically significant, and that variants that disrupt this residue are likely to be disease-causing. In summary, the currently available evidence indicates that the variant is pathogenic, but additional data are needed to prove that conclusively. Therefore, this variant has been classified as Likely Pathogenic.

GeneDx
Classification: Likely pathogenic. Last evaluated: 2025-03-15. Review status: criteria provided, single submitter. Criteria: GeneDx Variant Classification Process June 2021. Collection method: clinical testing. Allele origin: germline. Affected: yes.
Comment: Reported in a patient with a clinical and biochemical diagnosis of Smith-Lemli-Opitz syndrome (SLOS) in published literature; it is unclear whether a second variant was identified (PMID: 10677299); Not observed at significant frequency in large population cohorts (gnomAD); In silico analysis indicates that this missense variant does not alter protein structure/function; This variant is associated with the following publications: (PMID: 11001806, 12914579, 11175299, 16207203, 15670717, 11111101, 23042628, 11241839, 11767235, 10602371, 10677299, 12270273, 34349606)

Fulgent Genetics
Classification: Likely pathogenic for Smith-Lemli-Opitz syndrome. Last evaluated: 2024-04-29. Review status: criteria provided, single submitter. Criteria: ACMG Guidelines, 2015. Collection method: clinical testing. Allele origin: germline.

Counsyl
Classification: Uncertain significance for Smith-Lemli-Opitz syndrome. Last evaluated: 2017-11-09. Review status: no assertion criteria provided. Collection method: clinical testing. Allele origin: unknown. Not counted in ClinVar's aggregate classification.

Literature cited by the submitters: PubMed 10677299 (cited by 3 submitters); PubMed 10602371 (cited by Labcorp Genetics (formerly Invitae), Labcorp); PubMed 10995508 (cited by Labcorp Genetics (formerly Invitae), Labcorp); PubMed 12270273 (cited by Labcorp Genetics (formerly Invitae), Labcorp); PubMed 12949967 (cited by Labcorp Genetics (formerly Invitae), Labcorp).

NM_001360.3(DHCR7):c.1342G>C (p.Glu448Gln)

Gene: DHCR7 (7-dehydrocholesterol reductase; minus strand). Cytogenetic location: 11q13.4.
Variant type: single nucleotide variant.
Coding change: c.1342G>C on transcript NM_001360.3 (MANE Select); coding-DNA position 1342, G replaced by C.
Protein change: p.Glu448Gln; replaces glutamic acid 448 with glutamine.
Molecular consequence: missense variant.
Genome position (GRCh38, 1-based): chr11:71,435,461, C>G on the plus strand (G>C on the coding strand, the complement: DHCR7 is on the minus strand). VCF-style: chr11-71435461-C-G. GRCh37 (hg19) VCF-style: chr11-71146507-C-G.
Other names: c.1342G>C, p.Glu448Gln (NM_001163817.2); short protein forms E448Q.
Identifiers: ClinVar variation 554965 (VCV000554965.18), dbSNP rs80338864, ClinGen allele CA381700721.
Genomic context (GRCh38, chr11:71,435,461, plus strand): 5'-AAGGCACTGCGGCGGTGTAGCGCTCCCAGTCCCGGCCGTACTTGCTGGCGCAGCGGTGCT[C>G]GTCCCGGAGGCAGCGGTGGGTCAGCAGGATGGCCATGTAGATGATGTAGAAGTAGGGCAG-3'
Protein context (NP_001351.2, residues 438-458): ILLTHRCLRD[Glu448Gln]HRCASKYGRD